The following is an entry in ClinVar:

ClinVar aggregate classification (germline): Uncertain significance (1 of 4 stars; one submission).

Conditions:
Intellectual developmental disorder, autosomal dominant 52. Also called: Mental retardation, autosomal dominant 52; Intellectual disability, autosomal dominant 52. Identifiers: MedGen C4540478, MONDO:0030918, OMIM 617796.

Submission:

Baylor Genetics
Classification: Uncertain significance for Intellectual developmental disorder, autosomal dominant 52. Last evaluated: 2019-07-18. Review status: criteria provided, single submitter. Criteria: ACMG Guidelines, 2015. Collection method: clinical testing. Allele origin: unknown. Affected: yes.
Comment: This variant was determined to be of uncertain significance according to ACMG Guidelines, 2015 [PMID:25741868].

NM_018489.3(ASH1L):c.2014T>G (p.Phe672Val)

Gene: ASH1L (ASH1 like histone lysine methyltransferase; minus strand). Cytogenetic location: 1q22.
Variant type: single nucleotide variant.
Coding change: c.2014T>G on transcript NM_018489.3 (MANE Select); coding-DNA position 2014, T replaced by G.
Protein change: p.Phe672Val; replaces phenylalanine 672 with valine.
Molecular consequence: missense variant.
Genome position (GRCh38, 1-based): chr1:155,480,856, A>C on the plus strand (T>G on the coding strand, the complement: ASH1L is on the minus strand). VCF-style: chr1-155480856-A-C. GRCh37 (hg19) VCF-style: chr1-155450647-A-C.
Other names: c.2014T>G, p.Phe672Val (NM_001366177.2); short protein forms F672V.
Identifiers: ClinVar variation 1028596 (VCV001028596.1), dbSNP rs1665903377, ClinGen allele CA342728895.
Genomic context (GRCh38, chr1:155,480,856, plus strand): 5'-TGTCTGATGCAGATACTGCACCCAGTTTTAAAAAAGGCTTATTACTAAATAAACTAGTGA[A>C]GTTAACAACTGAAGGAGTAATAGTATGAATGCTGGATTCAGAAGTCAAACTTGGCTTTTT-3'
Protein context (NP_060959.2, residues 662-682): IHTITPSVVN[Phe672Val]TSLFSNKPFL